The following is an entry in ClinVar:

ClinVar aggregate classification (germline): Uncertain significance (1 of 4 stars; one submission).

Conditions:
Long QT syndrome (LQTS). Identifiers: MedGen C0023976, MeSH D008133, MONDO:0002442. Disease mechanism: loss of function. Inheritance: Various modes of inheritance.

Submission:

Labcorp Genetics (formerly Invitae), Labcorp
Classification: Uncertain significance for Long QT syndrome. Last evaluated: 2023-06-02. Review status: criteria provided, single submitter. Criteria: Invitae Variant Classification Sherloc (09022015). Collection method: clinical testing. Allele origin: germline.
Comment: In summary, the available evidence is currently insufficient to determine the role of this variant in disease. Therefore, it has been classified as a Variant of Uncertain Significance. Advanced modeling of protein sequence and biophysical properties (such as structural, functional, and spatial information, amino acid conservation, physicochemical variation, residue mobility, and thermodynamic stability) performed at Invitae indicates that this missense variant is expected to disrupt CACNA1C protein function. This variant has not been reported in the literature in individuals affected with CACNA1C-related conditions. This variant is not present in population databases (gnomAD no frequency). This sequence change replaces cysteine, which is neutral and slightly polar, with tyrosine, which is neutral and polar, at codon 1180 of the CACNA1C protein (p.Cys1180Tyr).

NM_000719.7(CACNA1C):c.3539G>A (p.Cys1180Tyr)

Gene: CACNA1C (calcium voltage-gated channel subunit alpha1 C; plus strand). Cytogenetic location: 12p13.33.
Variant type: single nucleotide variant.
Coding change: c.3539G>A on transcript NM_000719.7 (MANE Select); coding-DNA position 3539, G replaced by A.
Protein change: p.Cys1180Tyr; replaces cysteine 1180 with tyrosine.
Molecular consequence: missense variant.
Genome position (GRCh38, 1-based): chr12:2,608,693, G>A. VCF-style: chr12-2608693-G-A. GRCh37 (hg19) VCF-style: chr12-2717859-G-A.
Other names: c.3599G>A, p.Cys1200Tyr (NM_001129827.2, NM_001129832.2, NM_199460.4); c.3539G>A, p.Cys1180Tyr (NM_001129829.2, NM_001129830.3, NM_001129831.2 and 15 more transcripts); c.3530G>A, p.Cys1177Tyr (NM_001129844.2); short protein forms C1180Y, C1177Y, C1200Y.
Identifiers: ClinVar variation 2756652 (VCV002756652.3), dbSNP rs2518587686, ClinGen allele CA383375776.